The following is an entry in ClinVar:

NM_173076.3(ABCA12):c.2461A>G (p.Ile821Val)

Gene: ABCA12 (ATP binding cassette subfamily A member 12; minus strand). Cytogenetic location: 2q35.
Variant type: single nucleotide variant.
Coding change: c.2461A>G on transcript NM_173076.3 (MANE Select); coding-DNA position 2461, A replaced by G.
Protein change: p.Ile821Val; replaces isoleucine 821 with valine.
Molecular consequence: missense variant. On other transcripts: non-coding transcript variant (1).
Genome position (GRCh38, 1-based): chr2:215,010,342, T>C on the plus strand (A>G on the coding strand, the complement: ABCA12 is on the minus strand). VCF-style: chr2-215010342-T-C. GRCh37 (hg19) VCF-style: chr2-215875066-T-C.
Other names: c.1507A>G, p.Ile503Val (NM_015657.4); short protein forms I503V, I821V.
Identifiers: ClinVar variation 4700075 (VCV004700075.1).

ClinVar aggregate classification (germline): Uncertain significance (1 of 4 stars; one submission).

gnomAD v4.1: 4 of 1,613,758 alleles (0.00025%); highest among the groups gnomAD compares: Middle Eastern, 0.017%; no homozygotes.

Submission:

Labcorp Genetics (formerly Invitae), Labcorp
Classification: Uncertain significance. Last evaluated: 2025-05-23. Review status: criteria provided, single submitter. Criteria: Invitae Variant Classification Sherloc (09022015). Collection method: clinical testing. Allele origin: germline.
Comment: This sequence change replaces isoleucine, which is neutral and non-polar, with valine, which is neutral and non-polar, at codon 821 of the ABCA12 protein (p.Ile821Val). This variant is not present in population databases (gnomAD no frequency). This variant has not been reported in the literature in individuals affected with ABCA12-related conditions. Invitae Evidence Modeling of protein sequence and biophysical properties (such as structural, functional, and spatial information, amino acid conservation, physicochemical variation, residue mobility, and thermodynamic stability) indicates that this missense variant is not expected to disrupt ABCA12 protein function with a negative predictive value of 80%. In summary, the available evidence is currently insufficient to determine the role of this variant in disease. Therefore, it has been classified as a Variant of Uncertain Significance.